The following is an entry in ClinVar:

NM_001243133.2(NLRP3):c.1709A>G (p.Tyr570Cys)

Gene: NLRP3 (NLR family pyrin domain containing 3; plus strand). Cytogenetic location: 1q44.
Variant type: single nucleotide variant.
Coding change: c.1709A>G on transcript NM_001243133.2 (MANE Select); coding-DNA position 1709, A replaced by G.
Protein change: p.Tyr570Cys; replaces tyrosine 570 with cysteine.
Molecular consequence: missense variant.
Genome position (GRCh38, 1-based): chr1:247,425,158, A>G. VCF-style: chr1-247425158-A-G. GRCh37 (hg19) VCF-style: chr1-247588460-A-G.
Other names: c.1709A>G, p.Tyr570Cys (NM_001079821.3, NM_001127461.3, NM_001127462.3 and 1 more transcripts); c.1715A>G, p.Tyr572Cys (NM_004895.5); c.1715A>G (NM_004895.4); short protein forms Y572C, Y570C.
Identifiers: ClinVar variation 97946 (VCV000097946.2), dbSNP rs180177438, ClinGen allele CA281262.
Genomic context (GRCh38, chr1:247,425,158, plus strand): 5'-AGCTTCCCAGCCGAGACGTGACAGTCCTTCTGGAAAACTATGGCAAATTCGAAAAGGGGT[A>G]TTTGATTTTTGTTGTACGTTTCCTCTTTGGCCTGGTAAACCAGGAGAGGACCTCCTACTT-3'
Protein context (NP_001230062.1, residues 560-580): LENYGKFEKG[Tyr570Cys]LIFVVRFLFG

ClinVar aggregate classification (germline): Pathogenic. Review status: criteria provided, single submitter (1 of 4 stars). 2 submissions from 2 submitters: Pathogenic (1). 1 of the submissions does not count toward it. Last evaluated 2022-12-20.

Conditions:
Familial cold autoinflammatory syndrome 1 (FCAS1). Also called: CRYOPYRIN-ASSOCIATED PERIODIC SYNDROME 1; Familial cold inflammatory syndrome 1. Identifiers: Orphanet 47045, MedGen C4551895, MONDO:0007349, OMIM 120100.

Submissions (2):

GeneDx
Classification: Pathogenic. Last evaluated: 2022-12-20. Review status: criteria provided, single submitter. Criteria: GeneDx Variant Classification Process June 2021. Collection method: clinical testing. Allele origin: germline. Affected: yes.
Comment: Published functional studies demonstrate a damaging effect (Nakamura et al., 2009; Tanaka et al., 2011); Not observed at significant frequency in large population cohorts (gnomAD); Also known as p.Y570C; This variant is associated with the following publications: (PMID: 33329557, 32810141, 23703389, 30288079, 20007570, 12930324, 19364881, 21702021, 25302486, 22723549, 28916543, 25979514, 33042144, 21832064, 20500518, 12483741, 25988971, 33020839, 35159338, Kim[CaseReport]2018, 16255047, 32181272)

Unité médicale des maladies autoinflammatoires, CHRU Montpellier
No classification provided. Condition: Familial cold urticaria. Review status: no classification provided. Collection method: not provided. Allele origin: unknown. Not counted in ClinVar's aggregate classification.
Comment: also involved in OMIM 191900 and 607115